The following is an entry in ClinVar:

NM_001384474.1(LOXHD1):c.4386C>G (p.Tyr1462Ter)

Gene: LOXHD1 (lipoxygenase homology PLAT domains 1; minus strand). Cytogenetic location: 18q21.1.
Variant type: single nucleotide variant.
Coding change: c.4386C>G on transcript NM_001384474.1 (MANE Select); coding-DNA position 4386, C replaced by G.
Protein change: p.Tyr1462Ter; replaces tyrosine 1462 with a stop codon.
Molecular consequence: nonsense.
Genome position (GRCh38, 1-based): chr18:46,529,321, G>C on the plus strand (C>G on the coding strand, the complement: LOXHD1 is on the minus strand). VCF-style: chr18-46529321-G-C. GRCh37 (hg19) VCF-style: chr18-44109284-G-C.
Other names: c.1053C>G, p.Tyr351Ter (NM_001145472.3); c.765C>G, p.Tyr255Ter (NM_001308013.2); c.4386C>G, p.Tyr1462Ter (NM_144612.7); short protein forms Y1462*, Y255*, Y351*.
Identifiers: ClinVar variation 1357057 (VCV001357057.6), dbSNP rs2144221933, ClinGen allele CA402374123.

ClinVar aggregate classification (germline): Pathogenic (1 of 4 stars; one submission).

Submission:

Labcorp Genetics (formerly Invitae), Labcorp
Classification: Pathogenic. Last evaluated: 2020-12-04. Review status: criteria provided, single submitter. Criteria: Invitae Variant Classification Sherloc (09022015). Collection method: clinical testing. Allele origin: germline.
Comment: For these reasons, this variant has been classified as Pathogenic. Algorithms developed to predict the effect of sequence changes on RNA splicing suggest that this variant may create or strengthen a splice site, but this prediction has not been confirmed by published transcriptional studies. This variant has not been reported in the literature in individuals with LOXHD1-related conditions. This variant is not present in population databases (ExAC no frequency). This sequence change creates a premature translational stop signal (p.Tyr1462*) in the LOXHD1 gene. It is expected to result in an absent or disrupted protein product. Loss-of-function variants in LOXHD1 are known to be pathogenic (PMID: 19732867, 21465660, 25792669).

Literature cited by the submitters: PubMed 19732867; PubMed 21465660; PubMed 25792669.